The following is an entry in ClinVar:

NM_001048174.2(MUTYH):c.946C>A (p.Pro316Thr)

Gene: MUTYH (mutY DNA glycosylase; minus strand). Cytogenetic location: 1p34.1.
Variant type: single nucleotide variant.
Coding change: c.946C>A on transcript NM_001048174.2 (MANE Select); coding-DNA position 946, C replaced by A.
Protein change: p.Pro316Thr; replaces proline 316 with threonine.
Molecular consequence: missense variant. On other transcripts: non-coding transcript variant (7).
Genome position (GRCh38, 1-based): chr1:45,331,817, G>T on the plus strand (C>A on the coding strand, the complement: MUTYH is on the minus strand). VCF-style: chr1-45331817-G-T. GRCh37 (hg19) VCF-style: chr1-45797489-G-T.
Other names: c.1030C>A, p.Pro344Thr (NM_001128425.2); c.991C>A, p.Pro331Thr (NM_001293190.2); c.979C>A, p.Pro327Thr (NM_001293191.2, NM_001407069.1, NM_001407077.1); c.670C>A, p.Pro224Thr (NM_001293192.2, NM_001293196.2, NM_001407091.1); c.946C>A, p.Pro316Thr (NM_001293195.2, NM_001407088.1, NM_001407089.1 and 6 more transcripts); c.601C>A, p.Pro201Thr (NM_001350650.2, NM_001350651.2, NM_001407082.1); c.988C>A, p.Pro330Thr (NM_001407083.1, NM_001407085.1); c.949C>A, p.Pro317Thr (NM_001407086.1, NM_001048172.2, NM_001407071.1 and 1 more transcripts); and 5 more; short protein forms P224T, P316T, P317T, P330T, P344T, P303T, P327T, P341T.
Identifiers: ClinVar variation 4112940 (VCV004112940.1).

ClinVar aggregate classification (germline): Uncertain significance (1 of 4 stars; one submission).

Conditions:
Hereditary cancer-predisposing syndrome. Also called: Tumor predisposition; Neoplastic Syndromes, Hereditary; Hereditary neoplastic syndrome; Hereditary Cancer Syndrome. Identifiers: Orphanet 140162, MedGen C0027672, MeSH D009386, MONDO:0015356.

Submission:

Ambry Genetics
Classification: Uncertain significance for Hereditary cancer-predisposing syndrome. Last evaluated: 2025-08-27. Review status: criteria provided, single submitter. Criteria: Ambry Variant Classification Scheme 2023. Collection method: clinical testing. Allele origin: germline.
Comment: The p.P344T variant (also known as c.1030C>A), located in coding exon 12 of the MUTYH gene, results from a C to A substitution at nucleotide position 1030. The proline at codon 344 is replaced by threonine, an amino acid with highly similar properties. This amino acid position is conserved. In addition, this alteration is predicted to be tolerated by in silico analysis. Based on the available evidence, the clinical significance of this variant remains unclear.